The following is an entry in ClinVar:

ClinVar aggregate classification (germline): Likely benign (1 of 4 stars; one submission).

Conditions:
CSGALNACT1-related disorder. Also called: CSGALNACT1-related condition.

gnomAD v4.1: 5 of 1,614,140 alleles (0.00031%); highest among the groups gnomAD compares: Non-Finnish European, 0.00025%; no homozygotes.

Submission:

PreventionGenetics, part of Exact Sciences
Classification: Likely benign for CSGALNACT1-related condition. Last evaluated: 2025-08-04. Review status: criteria provided, single submitter. Criteria: ACMG Guidelines, 2015. Collection method: clinical testing. Allele origin: germline.
Comment: This variant is classified as likely benign based on ACMG/AMP sequence variant interpretation guidelines (Richards et al. 2015 PMID: 25741868, with internal and published modifications).

NM_001354483.2(CSGALNACT1):c.1503G>A (p.Glu501=)

Gene: CSGALNACT1 (chondroitin sulfate N-acetylgalactosaminyltransferase 1; minus strand). Cytogenetic location: 8p21.3.
Variant type: single nucleotide variant.
Coding change: c.1503G>A on transcript NM_001354483.2 (MANE Select); coding-DNA position 1503, G replaced by A.
Protein change: p.Glu501=; no amino-acid change (glutamic acid 501 retained).
Molecular consequence: synonymous variant. On other transcripts: non-coding transcript variant (7).
Genome position (GRCh38, 1-based): chr8:19,405,876, C>T on the plus strand (G>A on the coding strand, the complement: CSGALNACT1 is on the minus strand). VCF-style: chr8-19405876-C-T. GRCh37 (hg19) VCF-style: chr8-19263387-C-T.
Other names: c.1503G>A, p.Glu501= (NM_001130518.2, NM_001354475.2, NM_001354476.2 and 18 more transcripts).
Identifiers: ClinVar variation 4982968 (VCV004982968.1).
Genomic context (GRCh38, chr8:19,405,876, plus strand): 5'-GCGAAGGTGAGCCTCTATCTCGTGCCTGAACACCAGCATGCCCAGCTGGCCGTGGGATGC[C>T]TCGTTCATGGCCTTGGACTGCATGCACATCTTGTACTGCTCGGGGGTCAGCTCGTCCATG-3'
Protein context (NP_001341412.1, residues 491-511): KMCMQSKAMN[Glu501=]ASHGQLGMLV